The following is an entry in ClinVar:

ClinVar aggregate classification (germline): Uncertain significance. Review status: criteria provided, multiple submitters, no conflicts (2 of 4 stars). 3 submissions from 3 submitters: Uncertain significance (3). Last evaluated 2024-06-20.

Conditions:
Gastric cancer. Also called: Stomach cancer; Malignant tumor of stomach. Identifiers: MedGen C0024623, MeSH D013274, MONDO:0001056, OMIM 613659, HP:0012126.
Familial adenomatous polyposis 2. Also called: FAP type 2; MUTYH-associated polyposis; MUTYH-related attenuated familial adenomatous polyposis; Adenomas, multiple colorectal; MYH-associated polyposis; COLORECTAL ADENOMATOUS POLYPOSIS, AUTOSOMAL RECESSIVE. Identifiers: Orphanet 220460, Orphanet 247798, MedGen C3272841, MONDO:0012041, OMIM 608456.
Hereditary cancer-predisposing syndrome. Also called: Neoplastic Syndromes, Hereditary; Hereditary Cancer Syndrome; Hereditary neoplastic syndrome; Tumor predisposition. Identifiers: Orphanet 140162, MedGen C0027672, MeSH D009386, MONDO:0015356.

Allele frequency attached by ClinVar (database versions not stated): gnomAD exomes below 0.00001; gnomAD 0.00001.
gnomAD v4.1: 2 of 1,614,086 alleles (0.00012%); highest among the groups gnomAD compares: African/African-American, 0.0027%; no homozygotes.

Submissions (3):

Fulgent Genetics
Classification: Uncertain significance for Familial adenomatous polyposis 2; Gastric cancer. Last evaluated: 2024-06-20. Review status: criteria provided, single submitter. Criteria: ACMG Guidelines, 2015. Collection method: clinical testing. Allele origin: germline.

Ambry Genetics
Classification: Uncertain significance for Hereditary cancer-predisposing syndrome. Last evaluated: 2024-05-08. Review status: criteria provided, single submitter. Criteria: Ambry Variant Classification Scheme 2023. Collection method: clinical testing. Allele origin: germline.
Comment: The c.1649G>C variant (also known as p.*550Sext*3), located in coding exon 16 of the MUTYH gene, results from a G to C substitution at nucleotide position 1649. This alteration disrupts the stop codon of the MUTYH gene and is predicted to preserve the native sequence while resulting in the elongation of the protein by three amino acids. The exact functional effect of the additional amino acids is unknown. Based on the available evidence, the clinical significance of this variant remains unclear.

Labcorp Genetics (formerly Invitae), Labcorp
Classification: Uncertain significance for Familial adenomatous polyposis 2. Last evaluated: 2023-12-28. Review status: criteria provided, single submitter. Criteria: Invitae Variant Classification Sherloc (09022015). Collection method: clinical testing. Allele origin: germline.
Comment: This sequence change disrupts the translational stop signal of the MUTYH mRNA. It is expected to extend the length of the MUTYH protein by 3 additional amino acid residues. This variant is present in population databases (no rsID available, gnomAD 0.01%). This variant has not been reported in the literature in individuals affected with MUTYH-related conditions. ClinVar contains an entry for this variant (Variation ID: 819745). Experimental studies and prediction algorithms are not available or were not evaluated, and the functional significance of this variant is currently unknown. In summary, the available evidence is currently insufficient to determine the role of this variant in disease. Therefore, it has been classified as a Variant of Uncertain Significance.

NM_001048174.2(MUTYH):c.1565G>C (p.Ter522Ser)

Gene: MUTYH (mutY DNA glycosylase; minus strand). Cytogenetic location: 1p34.1.
Variant type: single nucleotide variant.
Coding change: c.1565G>C on transcript NM_001048174.2 (MANE Select); coding-DNA position 1565, G replaced by C.
Protein change: p.Ter522Ser.
Molecular consequence: stop lost. On other transcripts: non-coding transcript variant (2).
Genome position (GRCh38, 1-based): chr1:45,329,307, C>G on the plus strand (G>C on the coding strand, the complement: MUTYH is on the minus strand). VCF-style: chr1-45329307-C-G. GRCh37 (hg19) VCF-style: chr1-45794979-C-G.
Other names: *407S; *537S; *523S; *430S; *533S; *547S; *550S; c.1565G>C, p.Ter522Ser (NM_001048171.2, NM_001048173.2, NM_001293195.2); and 7 more.
Identifiers: ClinVar variation 819745 (VCV000819745.15), dbSNP rs1308516608, ClinGen allele CA340131461.
Genomic context (GRCh38, chr1:45,329,307, plus strand): 5'-ACAAAAATAAGCACTTTACTAACAACAGGATTCTCAGGGAATGGGGGCTTTCAGAGGTGT[C>G]ACTGGGCTGCACTGTTGAGGCTGTGTGCATCAGTGGAGATGTGAGACCGAAAGAAATTAT-3'